The following is an entry in ClinVar:

NM_152383.5(DIS3L2):c.2214C>G (p.His738Gln)

Gene: DIS3L2 (DIS3 like 3'-5' exoribonuclease 2; plus strand). Cytogenetic location: 2q37.1.
Variant type: single nucleotide variant.
Coding change: c.2214C>G on transcript NM_152383.5 (MANE Select); coding-DNA position 2214, C replaced by G.
Protein change: p.His738Gln; replaces histidine 738 with glutamine.
Molecular consequence: missense variant. On other transcripts: non-coding transcript variant (2), intron variant (1).
Genome position (GRCh38, 1-based): chr2:232,334,424, C>G. VCF-style: chr2-232334424-C-G. GRCh37 (hg19) VCF-style: chr2-233199134-C-G.
Other names: c.1582-8921C>G (NM_001257281.2); short protein forms H738Q.
Identifiers: ClinVar variation 848619 (VCV000848619.9), dbSNP rs1384219629, ClinGen allele CA350977727.
Genomic context (GRCh38, chr2:232,334,424, plus strand): 5'-CCCAGGCTATAGGGAGCGACTAGACATGGCGCCCGATACCCTGCAGAAACAGGCGGACCA[C>G]TGTAACGACCGCCGCATGGCGTCCAAGCGCGTGCAGGAGCTCAGTACCAGTCTCTTCTTT-3'
Protein context (NP_689596.4, residues 728-748): APDTLQKQAD[His738Gln]CNDRRMASKR

ClinVar aggregate classification (germline): Uncertain significance (1 of 4 stars; one submission).

Conditions:
Perlman syndrome (PRLMNS). Identifiers: Orphanet 2849, MedGen C0796113, MONDO:0009965, OMIM 267000.

Allele frequency attached by ClinVar (database versions not stated): gnomAD exomes below 0.00001; gnomAD 0.00001.
gnomAD v4.1: 4 of 1,613,710 alleles (0.00025%); highest among the groups gnomAD compares: African/African-American, 0.0053%; no homozygotes.

Submission:

Labcorp Genetics (formerly Invitae), Labcorp
Classification: Uncertain significance for Perlman syndrome. Last evaluated: 2024-05-06. Review status: criteria provided, single submitter. Criteria: Invitae Variant Classification Sherloc (09022015). Collection method: clinical testing. Allele origin: germline.
Comment: This sequence change replaces histidine, which is basic and polar, with glutamine, which is neutral and polar, at codon 738 of the DIS3L2 protein (p.His738Gln). This variant is present in population databases (no rsID available, gnomAD 0.008%). This variant has not been reported in the literature in individuals affected with DIS3L2-related conditions. ClinVar contains an entry for this variant (Variation ID: 848619). Advanced modeling of protein sequence and biophysical properties (such as structural, functional, and spatial information, amino acid conservation, physicochemical variation, residue mobility, and thermodynamic stability) performed at Invitae indicates that this missense variant is not expected to disrupt DIS3L2 protein function with a negative predictive value of 80%. In summary, the available evidence is currently insufficient to determine the role of this variant in disease. Therefore, it has been classified as a Variant of Uncertain Significance.